The following is an entry in ClinVar:

ClinVar aggregate classification (germline): Likely benign. Review status: criteria provided, multiple submitters, no conflicts (2 of 4 stars). 2 submissions from 2 submitters: Likely benign (2). Last evaluated 2026-01-24.

Allele frequency attached by ClinVar (database versions not stated): gnomAD 0.00006; TOPMed 0.00012.
gnomAD v4.1: 54 of 1,613,986 alleles (0.0033%); highest among the groups gnomAD compares: Admixed American, 0.043%; no homozygotes.

Submissions (2):

Labcorp Genetics (formerly Invitae), Labcorp
Classification: Likely benign. Last evaluated: 2026-01-24. Review status: criteria provided, single submitter. Criteria: Invitae Variant Classification Sherloc (09022015). Collection method: clinical testing. Allele origin: germline.

CeGaT Center for Human Genetics Tuebingen
Classification: Likely benign. Last evaluated: 2025-10-01. Review status: criteria provided, single submitter. Criteria: CeGaT Center For Human Genetics Tuebingen Variant Classification Criteria Version 2. Collection method: clinical testing. Allele origin: germline. Affected: yes. Observed: 1 variant allele.
Comment: FAT4: BP4, BP7

NM_001291303.3(FAT4):c.13347C>T (p.Ser4449=)

Gene: FAT4 (FAT atypical cadherin 4; plus strand). Cytogenetic location: 4q28.1.
Variant type: single nucleotide variant.
Coding change: c.13347C>T on transcript NM_001291303.3 (MANE Select); coding-DNA position 13347, C replaced by T.
Protein change: p.Ser4449=; no amino-acid change (serine 4449 retained).
Molecular consequence: synonymous variant.
Genome position (GRCh38, 1-based): chr4:125,490,163, C>T. VCF-style: chr4-125490163-C-T. GRCh37 (hg19) VCF-style: chr4-126411318-C-T.
Other names: c.13344C>T, p.Ser4448= (NM_001291285.3); c.13341C>T, p.Ser4447= (NM_024582.6).
Identifiers: ClinVar variation 725337 (VCV000725337.14), dbSNP rs758589643, ClinGen allele CA3074346.